The following is an entry in ClinVar:

ClinVar aggregate classification (germline): Conflicting classifications of pathogenicity. Review status: criteria provided, conflicting classifications (1 of 4 stars). 2 submissions from 2 submitters: Likely pathogenic (1); Uncertain significance (1). Last evaluated 2024-02-28.

Conditions:
Mitochondrial DNA depletion syndrome, encephalomyopathic form with methylmalonic aciduria (MTDPS5). Also called: MITOCHONDRIAL DNA DEPLETION SYNDROME, ENCEPHALOMYOPATHIC FORM, WITH OR WITHOUT METHYLMALONIC ACIDURIA, AUTOSOMAL RECESSIVE, SUCLA2-RELATED; Mitochondrial DNA depletion syndrome 5 (encephalomyopathic with or without methylmalonic aciduria); SUCLA2-Related Mitochondrial DNA Depletion Syndrome, Encephalomyopathic Form with Methylmalonic Aciduria; Mitochondrial encephalomyopathy aminoacidopathy. Identifiers: Orphanet 1933, MedGen C5980207, MONDO:0012791, OMIM 612073.

Submissions (2):

Human Genetics Section, Sidra Medicine
Classification: Likely pathogenic for Mitochondrial DNA depletion syndrome, encephalomyopathic form with methylmalonic aciduria. Last evaluated: 2024-02-28. Review status: criteria provided, single submitter. Criteria: ACMG Guidelines, 2015. Collection method: research. Allele origin: germline. Affected: yes. Observed: 1 variant allele.
Comment: Variant is predicted to result in a missense amino acid change from glutamine to proline. In silico tools support a deleterious effect on the gene. ClinVar contains an entry for this variant (Variation ID: 1312009). This variant is not present in population databases (gnomAD no frequency). We classify the variant as likely pathogenic.

GeneDx
Classification: Uncertain significance. Last evaluated: 2022-09-16. Review status: criteria provided, single submitter. Criteria: GeneDx Variant Classification Process June 2021. Collection method: clinical testing. Allele origin: germline. Affected: yes.
Comment: Not observed at significant frequency in large population cohorts (gnomAD); In silico analysis supports that this missense variant has a deleterious effect on protein structure/function; Has not been previously published as pathogenic or benign to our knowledge

NM_003850.3(SUCLA2):c.299A>C (p.Gln100Pro)

Gene: SUCLA2 (succinate-CoA ligase ADP-forming subunit beta; minus strand). Cytogenetic location: 13q14.2.
Variant type: single nucleotide variant.
Coding change: c.299A>C on transcript NM_003850.3 (MANE Select); coding-DNA position 299, A replaced by C.
Protein change: p.Gln100Pro; replaces glutamine 100 with proline.
Molecular consequence: missense variant.
Genome position (GRCh38, 1-based): chr13:47,988,954, T>G on the plus strand (A>C on the coding strand, the complement: SUCLA2 is on the minus strand). VCF-style: chr13-47988954-T-G. GRCh37 (hg19) VCF-style: chr13-48563089-T-G.
Other names: short protein forms Q100P.
Identifiers: ClinVar variation 1312009 (VCV001312009.5), dbSNP rs2137743496, ClinGen allele CA388151647.